The following is an entry in ClinVar:

NM_003900.5(SQSTM1):c.436C>T (p.Pro146Ser)

Gene: SQSTM1 (sequestosome 1; plus strand). Cytogenetic location: 5q35.3.
Variant type: single nucleotide variant.
Coding change: c.436C>T on transcript NM_003900.5 (MANE Select); coding-DNA position 436, C replaced by T.
Protein change: p.Pro146Ser; replaces proline 146 with serine.
Molecular consequence: missense variant.
Genome position (GRCh38, 1-based): chr5:179,823,992, C>T. VCF-style: chr5-179823992-C-T. GRCh37 (hg19) VCF-style: chr5-179250992-C-T.
Other names: c.436C>T (NM_003900.4); c.184C>T, p.Pro62Ser (NM_001142298.2, NM_001142299.2); short protein forms P146S, P62S.
Identifiers: ClinVar variation 2119515 (VCV002119515.5), dbSNP rs2480213964, ClinGen allele CA362443885.

ClinVar aggregate classification (germline): Uncertain significance. Review status: criteria provided, multiple submitters, no conflicts (2 of 4 stars). 2 submissions from 2 submitters: Uncertain significance (2). Last evaluated 2023-08-31.

Conditions:
Paget disease of bone 2, early-onset (PDB2). Also called: Paget disease of bone 2. Identifiers: MedGen C4085251, MONDO:0011183, OMIM 602080.
Frontotemporal dementia and/or amyotrophic lateral sclerosis 1 (FTDALS1). Also called: C9orf72 Frontotemporal Dementia and/or Amyotrophic Lateral Sclerosis; Frontotemporal dementia with motor neuron disease 1. Identifiers: Orphanet 275872, MedGen C5779877, MONDO:0007105, OMIM 105550.

Submissions (2):

Women's Health and Genetics/Laboratory Corporation of America, LabCorp
Classification: Uncertain significance. Last evaluated: 2023-08-31. Review status: criteria provided, single submitter. Criteria: LabCorp Variant Classification Summary - May 2015. Collection method: clinical testing. Allele origin: germline.
Comment: Variant summary: SQSTM1 c.436C>T (p.Pro146Ser) results in a non-conservative amino acid change located in the Zinc finger, ZZ-type domain (IPR000433) of the encoded protein sequence. Five of five in-silico tools predict a damaging effect of the variant on protein function. The variant was absent in 251212 control chromosomes (gnomAD). The available data on variant occurrences in the general population are insufficient to allow any conclusion about variant significance. To our knowledge, no occurrence of c.436C>T in individuals affected with SQSTM1-Related Disorders and no experimental evidence demonstrating its impact on protein function have been reported. One submitter has cited clinical-significance assessments for this variant to ClinVar after 2014 and has classified the variant as uncertain significance. Based on the evidence outlined above, the variant was classified as uncertain significance.

Labcorp Genetics (formerly Invitae), Labcorp
Classification: Uncertain significance for Paget disease of bone 2, early-onset; Frontotemporal dementia and/or amyotrophic lateral sclerosis 1. Last evaluated: 2022-04-21. Review status: criteria provided, single submitter. Criteria: Invitae Variant Classification Sherloc (09022015). Collection method: clinical testing. Allele origin: germline.
Comment: Algorithms developed to predict the effect of missense changes on protein structure and function are either unavailable or do not agree on the potential impact of this missense change (SIFT: "Tolerated"; PolyPhen-2: "Possibly Damaging"; Align-GVGD: "Class C0"). In summary, the available evidence is currently insufficient to determine the role of this variant in disease. Therefore, it has been classified as a Variant of Uncertain Significance. This variant has not been reported in the literature in individuals affected with SQSTM1-related conditions. This variant is not present in population databases (gnomAD no frequency). This sequence change replaces proline, which is neutral and non-polar, with serine, which is neutral and polar, at codon 146 of the SQSTM1 protein (p.Pro146Ser).